The following is an entry in ClinVar:

NM_005732.4(RAD50):c.877A>G (p.Met293Val)

Gene: RAD50 (RAD50 double strand break repair protein; plus strand). Cytogenetic location: 5q31.1.
Variant type: single nucleotide variant.
Coding change: c.877A>G on transcript NM_005732.4 (MANE Select); coding-DNA position 877, A replaced by G.
Protein change: p.Met293Val; replaces methionine 293 with valine.
Molecular consequence: missense variant.
Genome position (GRCh38, 1-based): chr5:132,587,682, A>G. VCF-style: chr5-132587682-A-G. GRCh37 (hg19) VCF-style: chr5-131923374-A-G.
Other names: short protein forms M293V.
Identifiers: ClinVar variation 3942152 (VCV003942152.1).
Genomic context (GRCh38, chr5:132,587,682, plus strand): 5'-AAAGCCTTGGATAGCCGAAAGAAGCAAATGGAGAAAGATAATAGTGAACTGGAAGAGAAA[A>G]TGGAAAAGGTTTGTGGTGGTAGAATTTTGTTCTGCTTCAAAATTTTGGGATTATTGTAAT-3'
Protein context (NP_005723.2, residues 283-303): EKDNSELEEK[Met293Val]EKVFQGTDEQ

ClinVar aggregate classification (germline): Uncertain significance (1 of 4 stars; one submission).

Conditions:
Hereditary cancer-predisposing syndrome. Also called: Tumor predisposition; Hereditary neoplastic syndrome; Hereditary Cancer Syndrome; Neoplastic Syndromes, Hereditary. Identifiers: Orphanet 140162, MedGen C0027672, MeSH D009386, MONDO:0015356.

Submission:

Ambry Genetics
Classification: Uncertain significance for Hereditary cancer-predisposing syndrome. Last evaluated: 2025-03-15. Review status: criteria provided, single submitter. Criteria: Ambry Variant Classification Scheme 2023. Collection method: clinical testing. Allele origin: germline.
Comment: The p.M293V variant (also known as c.877A>G), located in coding exon 6 of the RAD50 gene, results from an A to G substitution at nucleotide position 877. The methionine at codon 293 is replaced by valine, an amino acid with highly similar properties. This amino acid position is conserved. In addition, this alteration is predicted to be tolerated by in silico analysis. Based on the available evidence, the clinical significance of this variant remains unclear.